The following is an entry in ClinVar:

ClinVar aggregate classification (germline): Uncertain significance. Review status: criteria provided, multiple submitters, no conflicts (2 of 4 stars). 2 submissions from 2 submitters: Uncertain significance (2). Last evaluated 2025-12-23.

Conditions:
SAMD11-related disorder. Also called: SAMD11-related condition.

gnomAD v4.1: 5 of 1,554,084 alleles (0.00032%); highest among the groups gnomAD compares: Non-Finnish European, 0.00044%; no homozygotes.

Submissions (2):

PreventionGenetics, part of Exact Sciences
Classification: Uncertain significance for SAMD11-related condition. Last evaluated: 2025-12-23. Review status: criteria provided, single submitter. Criteria: ACMG Guidelines, 2015. Collection method: clinical testing. Allele origin: germline.
Comment: The SAMD11 c.77G>A variant is predicted to result in the amino acid substitution p.Arg26Gln. To our knowledge, this variant has not been reported in the literature. This variant is reported in 0.0083% of alleles in individuals of East Asian descent in gnomAD. At this time, the clinical significance of this variant is uncertain due to the absence of conclusive functional and genetic evidence.

Blueprint Genetics
Classification: Uncertain significance. Last evaluated: 2024-08-30. Review status: criteria provided, single submitter. Criteria: ACMG Guidelines, 2015. Collection method: clinical testing. Allele origin: germline.

NM_001385641.1(SAMD11):c.614G>A (p.Arg205Gln)

Gene: SAMD11 (sterile alpha motif domain containing 11; plus strand). Cytogenetic location: 1p36.33.
Variant type: single nucleotide variant.
Coding change: c.614G>A on transcript NM_001385641.1 (MANE Select); coding-DNA position 614, G replaced by A.
Protein change: p.Arg205Gln; replaces arginine 205 with glutamine.
Molecular consequence: missense variant.
Genome position (GRCh38, 1-based): chr1:930,159, G>A. VCF-style: chr1-930159-G-A. GRCh37 (hg19) VCF-style: chr1-865539-G-A.
Other names: c.77G>A (NM_152486.2); c.614G>A, p.Arg205Gln (NM_001385640.1); c.77G>A, p.Arg26Gln (NM_152486.4); short protein forms R205Q, R26Q.
Identifiers: ClinVar variation 4956434 (VCV004956434.2).